The following is an entry in ClinVar:

ClinVar aggregate classification (germline): Uncertain significance (1 of 4 stars; one submission).

Submission:

GeneDx
Classification: Uncertain significance. Last evaluated: 2026-04-07. Review status: criteria provided, single submitter. Criteria: GeneDx Variant Classification Process June 2021. Collection method: clinical testing. Allele origin: germline.
Comment: Not observed at significant frequency in large population cohorts (gnomAD); In silico analysis supports that this missense variant has a deleterious effect on protein structure/function; Has not been previously published as pathogenic or benign to our knowledge

NM_001008537.3(NEXMIF):c.3764G>A (p.Gly1255Glu)

Gene: NEXMIF (neurite extension and migration factor; minus strand). Cytogenetic location: Xq13.3.
Variant type: single nucleotide variant.
Coding change: c.3764G>A on transcript NM_001008537.3 (MANE Select); coding-DNA position 3764, G replaced by A.
Protein change: p.Gly1255Glu; replaces glycine 1255 with glutamic acid.
Molecular consequence: missense variant.
Genome position (GRCh38, 1-based): chrX:74,740,793, C>T on the plus strand (G>A on the coding strand, the complement: NEXMIF is on the minus strand). VCF-style: chrX-74740793-C-T. GRCh37 (hg19) VCF-style: chrX-73960628-C-T.
Other names: short protein forms G1255E.
Identifiers: ClinVar variation 5018276 (VCV005018276.1).